The following is an entry in ClinVar:

NM_006767.4(LZTR1):c.1449+1G>T

Gene: LZTR1 (leucine zipper like post translational regulator 1; plus strand). Cytogenetic location: 22q11.21.
Variant type: single nucleotide variant.
Coding change: c.1449+1G>T on transcript NM_006767.4 (MANE Select); the canonical splice donor site of the intron after coding-DNA position 1449, G replaced by T.
Molecular consequence: splice donor variant.
Genome position (GRCh38, 1-based): chr22:20,994,020, G>T. VCF-style: chr22-20994020-G-T. GRCh37 (hg19) VCF-style: chr22-21348309-G-T.
Identifiers: ClinVar variation 1772846 (VCV001772846.2), dbSNP rs758122659, ClinGen allele CA410775385.

ClinVar aggregate classification (germline): Likely pathogenic (1 of 4 stars; one submission).

Conditions:
Cardiovascular phenotype. Identifiers: MedGen CN230736.
Hereditary cancer-predisposing syndrome. Also called: Hereditary Cancer Syndrome; Hereditary neoplastic syndrome; Neoplastic Syndromes, Hereditary; Tumor predisposition. Identifiers: Orphanet 140162, MedGen C0027672, MeSH D009386, MONDO:0015356.

Submission:

Ambry Genetics
Classification: Likely pathogenic for Cardiovascular phenotype; Hereditary cancer-predisposing syndrome. Last evaluated: 2021-05-07. Review status: criteria provided, single submitter. Criteria: Ambry Variant Classification Scheme 2023. Collection method: clinical testing. Allele origin: germline.
Comment: The c.1449+1G>T intronic variant results from a G to T substitution one nucleotide after coding exon 13 of the LZTR1 gene. Alterations that disrupt the canonical splice site are expected to result in aberrant splicing. In silico splice site analysis predicts that this alteration will weaken the native splice donor site and will result in the creation or strengthening of a novel splice donor site. The resulting transcript is predicted to be in-frame and is not expected to trigger nonsense-mediated mRNAdecay; however, direct evidence is unavailable. The exact functional effect of the missing amino acids is unknown; however, a significant portion of the protein is affected (Ambry internal data). This variant is considered to be rare based on population cohorts in the Genome Aggregation Database (gnomAD). This nucleotide position is highly conserved in available vertebrate species. Based on the supporting evidence, this variant is likely pathogenic for an increased risk of nerve sheath tumors and would be expected to cause autosomal recessive Noonan syndrome when present along with a second pathogenic or likely pathogenic variant on the other allele.